The following is an entry in ClinVar:

NM_004826.4(ECEL1):c.4G>T (p.Glu2Ter)

Gene: ECEL1 (endothelin converting enzyme like 1; minus strand). Cytogenetic location: 2q37.1.
Variant type: single nucleotide variant.
Coding change: c.4G>T on transcript NM_004826.4 (MANE Select); coding-DNA position 4, G replaced by T.
Protein change: p.Glu2Ter; replaces glutamic acid 2 with a stop codon.
Molecular consequence: nonsense.
Genome position (GRCh38, 1-based): chr2:232,486,650, C>A on the plus strand (G>T on the coding strand, the complement: ECEL1 is on the minus strand). VCF-style: chr2-232486650-C-A. GRCh37 (hg19) VCF-style: chr2-233351360-C-A.
Other names: c.4G>T, p.Glu2Ter (NM_001290787.2); short protein forms E2*.
Identifiers: ClinVar variation 373060 (VCV000373060.2), dbSNP rs1057518181, ClinGen allele CA16042394.

ClinVar aggregate classification (germline): Pathogenic (1 of 4 stars; one submission).

Submission:

GeneDx
Classification: Pathogenic. Last evaluated: 2016-11-03. Review status: criteria provided, single submitter. Criteria: GeneDx Variant Classification (06012015). Collection method: clinical testing. Allele origin: germline. Affected: yes.
Comment: The E2X pathogenic variant in the ECEL1 gene has not been reported previously as a pathogenicvariant nor as a benign variant, to our knowledge. This variant is predicted to cause loss of normalprotein function either through protein truncation or nonsense-mediated mRNA decay. The E2Xvariant was not observed in the Exome Aggregation Consortium (ExAC) data set, indicating it is not a common benign variant. We interpret E2X as a pathogenic variant.